The following is an entry in ClinVar:

NM_147127.5(EVC2):c.2753G>C (p.Gly918Ala)

Gene: EVC2 (EvC ciliary complex subunit 2; minus strand). Cytogenetic location: 4p16.2.
Variant type: single nucleotide variant.
Coding change: c.2753G>C on transcript NM_147127.5 (MANE Select); coding-DNA position 2753, G replaced by C.
Protein change: p.Gly918Ala; replaces glycine 918 with alanine.
Molecular consequence: missense variant.
Genome position (GRCh38, 1-based): chr4:5,615,498, C>G on the plus strand (G>C on the coding strand, the complement: EVC2 is on the minus strand). VCF-style: chr4-5615498-C-G. GRCh37 (hg19) VCF-style: chr4-5617225-C-G.
Other names: c.2513G>C, p.Gly838Ala (NM_001166136.2); short protein forms G838A, G918A.
Identifiers: ClinVar variation 3750202 (VCV003750202.2).

ClinVar aggregate classification (germline): Uncertain significance (1 of 4 stars; one submission).

Conditions:
Ellis-van Creveld syndrome (EVC). Also called: EVC-Related Ellis-van Creveld Syndrome; EVC2-Related Ellis-van Creveld Syndrome; MESOECTODERMAL DYSPLASIA; Chondroectodermal dysplasia. Identifiers: Orphanet 289, MedGen C0013903, MONDO:0009162, OMIM 225500.
Curry-Hall syndrome (WAD). Also called: WEYERS ACRODENTAL DYSOSTOSIS. Identifiers: Orphanet 952, MedGen C0457013, MONDO:0008673, OMIM 193530.

gnomAD v4.1: 5 of 1,614,228 alleles (0.00031%); highest among the groups gnomAD compares: Admixed American, 0.0033%; no homozygotes.

Submission:

Labcorp Genetics (formerly Invitae), Labcorp
Classification: Uncertain significance for Curry-Hall syndrome; Ellis-van Creveld syndrome. Last evaluated: 2025-09-02. Review status: criteria provided, single submitter. Criteria: Invitae Variant Classification Sherloc (09022015). Collection method: clinical testing. Allele origin: germline.
Comment: This sequence change replaces glycine, which is neutral and non-polar, with alanine, which is neutral and non-polar, at codon 918 of the EVC2 protein (p.Gly918Ala). This variant is present in population databases (no rsID available, gnomAD 0.003%). This variant has not been reported in the literature in individuals affected with EVC2-related conditions. ClinVar contains an entry for this variant (Variation ID: 3750202). An algorithm developed to predict the effect of missense changes on protein structure and function outputs the following: PolyPhen-2: "Benign". The alanine amino acid residue is found in multiple mammalian species, which suggests that this missense change does not adversely affect protein function. In summary, the available evidence is currently insufficient to determine the role of this variant in disease. Therefore, it has been classified as a Variant of Uncertain Significance.